The following is an entry in ClinVar:

ClinVar aggregate classification (germline): Uncertain significance. Review status: criteria provided, multiple submitters, no conflicts (2 of 4 stars). 2 submissions from 2 submitters: Uncertain significance (2). Last evaluated 2023-02-01.

Conditions:
Joubert syndrome. Also called: CEREBELLOPARENCHYMAL DISORDER IV; JOUBERT-BOLTSHAUSER SYNDROME; Familial aplasia of the vermis. Identifiers: Orphanet 475, MedGen C5979921, MONDO:0018772.
Meckel-Gruber syndrome. Also called: DYSENCEPHALIA SPLANCHNOCYSTICA; GRUBER SYNDROME; Dysencephalia splachnocystica. Identifiers: Orphanet 564, MedGen C0265215, MONDO:0018921.
Inborn genetic diseases. Identifiers: MedGen C0950123, MeSH D030342.

Allele frequency attached by ClinVar (database versions not stated): ExAC 0.00002; gnomAD exomes 0.00002 and 0.00004; gnomAD 0.00003; TOPMed 0.00003.
gnomAD v4.1: 69 of 1,614,110 alleles (0.0043%); highest among the groups gnomAD compares: Non-Finnish European, 0.0052%; no homozygotes.

Submissions (2):

Ambry Genetics
Classification: Uncertain significance for Inborn genetic diseases. Last evaluated: 2023-02-01. Review status: criteria provided, single submitter. Criteria: Ambry Variant Classification Scheme 2023. Collection method: clinical testing. Allele origin: germline.

Labcorp Genetics (formerly Invitae), Labcorp
Classification: Uncertain significance for Joubert syndrome; Meckel-Gruber syndrome. Last evaluated: 2022-07-12. Review status: criteria provided, single submitter. Criteria: Invitae Variant Classification Sherloc (09022015). Collection method: clinical testing. Allele origin: germline.
Comment: This sequence change replaces glutamic acid, which is acidic and polar, with lysine, which is basic and polar, at codon 109 of the TCTN2 protein (p.Glu109Lys). This variant is present in population databases (rs773010019, gnomAD 0.005%). This variant has not been reported in the literature in individuals affected with TCTN2-related conditions. ClinVar contains an entry for this variant (Variation ID: 1442185). Algorithms developed to predict the effect of missense changes on protein structure and function output the following: SIFT: "Tolerated"; PolyPhen-2: "Benign"; Align-GVGD: "Class C0". The lysine amino acid residue is found in multiple mammalian species, which suggests that this missense change does not adversely affect protein function. In summary, the available evidence is currently insufficient to determine the role of this variant in disease. Therefore, it has been classified as a Variant of Uncertain Significance.

NM_024809.5(TCTN2):c.325G>A (p.Glu109Lys)

Gene: TCTN2 (tectonic family member 2; plus strand). Cytogenetic location: 12q24.31.
Variant type: single nucleotide variant.
Coding change: c.325G>A on transcript NM_024809.5 (MANE Select); coding-DNA position 325, G replaced by A.
Protein change: p.Glu109Lys; replaces glutamic acid 109 with lysine.
Molecular consequence: missense variant.
Genome position (GRCh38, 1-based): chr12:123,673,672, G>A. VCF-style: chr12-123673672-G-A. GRCh37 (hg19) VCF-style: chr12-124158219-G-A.
Other names: c.325G>A (NM_024809.3); c.322G>A, p.Glu108Lys (NM_001143850.3); short protein forms E109K, E108K.
Identifiers: ClinVar variation 1442185 (VCV001442185.5), dbSNP rs773010019, ClinGen allele CA6860868.